The following is an entry in ClinVar:

ClinVar aggregate classification (germline): Benign/Likely benign. Review status: criteria provided, multiple submitters, no conflicts (2 of 4 stars). 3 submissions from 3 submitters: Benign (2); Likely benign (1). Last evaluated 2025-09-03.

Conditions:
Autosomal dominant striatal neurodegeneration type 1. Identifiers: Orphanet 228169, MedGen C4310808, MONDO:0012205, OMIM 609161.

Allele frequency attached by ClinVar (database versions not stated): gnomAD exomes 0.00010 and 0.00028; ExAC 0.00042; gnomAD 0.00114 and 0.00115; TOPMed 0.00139; ESP Exome Variant Server 0.00161; 1000 Genomes Project 0.00280; 1000 Genomes Project 30x 0.00312.
gnomAD v4.1: 336 of 1,601,020 alleles (0.021%); highest among the groups gnomAD compares: African/African-American, 0.39%; no homozygotes.

Submissions (3):

Labcorp Genetics (formerly Invitae), Labcorp
Classification: Benign. Last evaluated: 2025-09-03. Review status: criteria provided, single submitter. Criteria: Invitae Variant Classification Sherloc (09022015). Collection method: clinical testing. Allele origin: germline.

Blueprint Genetics
Classification: Likely benign. Last evaluated: 2024-07-06. Review status: criteria provided, single submitter. Criteria: ACMG Guidelines, 2015. Collection method: clinical testing. Allele origin: germline.

Illumina Laboratory Services, Illumina
Classification: Benign for Autosomal dominant striatal neurodegeneration type 1. Last evaluated: 2018-01-13. Review status: criteria provided, single submitter. Criteria: ICSL Variant Classification Criteria 13 December 2019. Collection method: clinical testing. Allele origin: germline.
Comment: This variant was observed in the ICSL laboratory as part of a predisposition screen in an ostensibly healthy population. It had not been previously curated by ICSL or reported in the Human Gene Mutation Database (HGMD: prior to June 1st, 2018), and was therefore a candidate for classification through an automated scoring system. Utilizing variant allele frequency, disease prevalence and penetrance estimates, and inheritance mode, an automated score was calculated to assess if this variant is too frequent to cause the disease. Based on the score and internal cut-off values, a variant classified as benign is not then subjected to further curation. The score for this variant resulted in a classification of benign for this disease.

NM_003719.5(PDE8B):c.1152T>C (p.Thr384=)

Gene: PDE8B (phosphodiesterase 8B; plus strand). Cytogenetic location: 5q13.3.
Variant type: single nucleotide variant.
Coding change: c.1152T>C on transcript NM_003719.5 (MANE Select); coding-DNA position 1152, T replaced by C.
Protein change: p.Thr384=; no amino-acid change (threonine 384 retained).
Molecular consequence: synonymous variant. On other transcripts: intron variant (6).
Genome position (GRCh38, 1-based): chr5:77,353,391, T>C. VCF-style: chr5-77353391-T-C. GRCh37 (hg19) VCF-style: chr5-76649216-T-C.
Other names: c.1152T>C, p.Thr384= (NM_001029852.4); c.1092T>C, p.Thr364= (NM_001029853.4); c.1011T>C, p.Thr337= (NM_001029854.4); c.1149T>C, p.Thr383= (NM_001349748.3, NM_001349751.3); c.1215T>C, p.Thr405= (NM_001349749.3); c.912T>C, p.Thr304= (NM_001349750.3); c.846T>C, p.Thr282= (NM_001349752.3); c.780T>C, p.Thr260= (NM_001349753.2, NM_001376067.1, NM_001376068.1); and 12 more.
Identifiers: ClinVar variation 354157 (VCV000354157.15), dbSNP rs114017128, ClinGen allele CA3315148.